The following is an entry in ClinVar:

NM_000080.4(CHRNE):c.497T>G (p.Phe166Cys)

Genes: C17orf107 (chromosome 17 open reading frame 107; plus strand), CHRNE (cholinergic receptor nicotinic epsilon subunit; minus strand). Cytogenetic location: 17p13.2.
Variant type: single nucleotide variant.
Coding change: c.497T>G on transcript NM_000080.4 (MANE Select); coding-DNA position 497, T replaced by G.
Protein change: p.Phe166Cys; replaces phenylalanine 166 with cysteine.
Molecular consequence: missense variant. On other transcripts: 3 prime UTR variant (1).
Genome position (GRCh38, 1-based): chr17:4,901,935, A>C on the plus strand (T>G on the coding strand, the complement: CHRNE is on the minus strand). VCF-style: chr17-4901935-A-C. GRCh37 (hg19) VCF-style: chr17-4805230-A-C.
Other names: c.*1402A>C (NM_001145536.2); short protein forms F166C.
Identifiers: ClinVar variation 2814085 (VCV002814085.3), dbSNP rs1385608948, ClinGen allele CA397306065.

ClinVar aggregate classification (germline): Likely pathogenic (1 of 4 stars; one submission).

Conditions:
Congenital myasthenic syndrome 4A. Also called: CONGENITAL MYASTHENIC SYNDROME TYPE Ia1; Myasthenic syndrome, congenital, 4a, slow-channel; MYASTHENIC SYNDROME, CONGENITAL, 4A, SLOW-CHANNEL, AUTOSOMAL RECESSIVE. Identifiers: Orphanet 590, MedGen C4225413, MONDO:0011600, OMIM 605809.

Allele frequency attached by ClinVar (database versions not stated): gnomAD 0.00001; TOPMed 0.00001.
gnomAD v4.1: 2 of 1,414,704 alleles (0.00014%); highest among the groups gnomAD compares: Admixed American, 0.0019%; no homozygotes.

Submission:

Labcorp Genetics (formerly Invitae), Labcorp
Classification: Likely pathogenic for Congenital myasthenic syndrome 4A. Last evaluated: 2023-08-19. Review status: criteria provided, single submitter. Criteria: Invitae Variant Classification Sherloc (09022015). Collection method: clinical testing. Allele origin: germline.
Comment: This missense change has been observed in individual(s) with autosomal recessive congenital myasthenic syndrome (Invitae). In at least one individual the data is consistent with being in trans (on the opposite chromosome) from a pathogenic variant. This variant is not present in population databases (gnomAD no frequency). This sequence change replaces phenylalanine, which is neutral and non-polar, with cysteine, which is neutral and slightly polar, at codon 166 of the CHRNE protein (p.Phe166Cys). In summary, the currently available evidence indicates that the variant is pathogenic, but additional data are needed to prove that conclusively. Therefore, this variant has been classified as Likely Pathogenic. Advanced modeling of protein sequence and biophysical properties (such as structural, functional, and spatial information, amino acid conservation, physicochemical variation, residue mobility, and thermodynamic stability) performed at Invitae indicates that this missense variant is expected to disrupt CHRNE protein function.